The following is an entry in ClinVar:

NM_003998.4(NFKB1):c.2419G>A (p.Gly807Arg)

Gene: NFKB1 (nuclear factor kappa B subunit 1; plus strand). Cytogenetic location: 4q24.
Variant type: single nucleotide variant.
Coding change: c.2419G>A on transcript NM_003998.4 (MANE Select); coding-DNA position 2419, G replaced by A.
Protein change: p.Gly807Arg; replaces glycine 807 with arginine.
Molecular consequence: missense variant.
Genome position (GRCh38, 1-based): chr4:102,612,110, G>A. VCF-style: chr4-102612110-G-A. GRCh37 (hg19) VCF-style: chr4-103533267-G-A.
Other names: c.2416G>A, p.Gly806Arg (NM_001165412.2, NM_001319226.2, NM_001382627.1); c.2419G>A, p.Gly807Arg (NM_001382625.1, NM_001382626.1); c.2377G>A, p.Gly793Arg (NM_001382628.1); short protein forms G807R, G793R, G806R.
Identifiers: ClinVar variation 2706470 (VCV002706470.3), dbSNP rs2476582974, ClinGen allele CA357754548.

ClinVar aggregate classification (germline): Uncertain significance (1 of 4 stars; one submission).

Submission:

Labcorp Genetics (formerly Invitae), Labcorp
Classification: Uncertain significance. Last evaluated: 2023-12-30. Review status: criteria provided, single submitter. Criteria: Invitae Variant Classification Sherloc (09022015). Collection method: clinical testing. Allele origin: germline.
Comment: This sequence change replaces glycine, which is neutral and non-polar, with arginine, which is basic and polar, at codon 807 of the NFKB1 protein (p.Gly807Arg). This variant also falls at the last nucleotide of exon 21, which is part of the consensus splice site for this exon. This variant is not present in population databases (gnomAD no frequency). This variant has not been reported in the literature in individuals affected with NFKB1-related conditions. An algorithm developed to predict the effect of missense changes on protein structure and function (PolyPhen-2) suggests that this variant is likely to be disruptive. Variants that disrupt the consensus splice site are a relatively common cause of aberrant splicing (PMID: 17576681, 9536098). Algorithms developed to predict the effect of sequence changes on RNA splicing suggest that this variant may disrupt the consensus splice site. In summary, the available evidence is currently insufficient to determine the role of this variant in disease. Therefore, it has been classified as a Variant of Uncertain Significance.

Literature cited by the submitters: PubMed 17576681; PubMed 9536098.